The following is an entry in ClinVar:

ClinVar aggregate classification (germline): Uncertain significance (1 of 4 stars; one submission).

Allele frequency attached by ClinVar (database versions not stated): gnomAD exomes below 0.00001.
gnomAD v4.1: 1 of 1,614,184 alleles (0.000062%); highest among the groups gnomAD compares: Non-Finnish European, 0.000085%; no homozygotes.

Submission:

GeneDx
Classification: Uncertain significance. Last evaluated: 2025-05-30. Review status: criteria provided, single submitter. Criteria: GeneDx Variant Classification Process June 2021. Collection method: clinical testing. Allele origin: germline. Affected: yes.
Comment: Has not been previously published as pathogenic or benign to our knowledge; In silico analysis supports that this missense variant has a deleterious effect on protein structure/function; Not observed at significant frequency in large population cohorts (gnomAD)

NM_014141.6(CNTNAP2):c.508G>A (p.Gly170Ser)

Gene: CNTNAP2 (contactin associated protein 2; plus strand). Cytogenetic location: 7q35.
Variant type: single nucleotide variant.
Coding change: c.508G>A on transcript NM_014141.6 (MANE Select); coding-DNA position 508, G replaced by A.
Protein change: p.Gly170Ser; replaces glycine 170 with serine.
Molecular consequence: missense variant.
Genome position (GRCh38, 1-based): chr7:147,044,012, G>A. VCF-style: chr7-147044012-G-A. GRCh37 (hg19) VCF-style: chr7-146741104-G-A.
Other names: short protein forms G170S.
Identifiers: ClinVar variation 1202958 (VCV001202958.4), dbSNP rs2129255361, ClinGen allele CA369923607.
Genomic context (GRCh38, chr7:147,044,012, plus strand): 5'-TTACAGCATCCGATTATTGCCCGCTATGTGCGCATAGTGCCTCTGGATTGGAATGGAGAA[G>A]GTCGCATTGGACTCAGAATTGAAGTTTATGGCTGTTCTTACTGTGAGTATCGTATTGTTT-3'
Protein context (NP_054860.1, residues 160-180): RIVPLDWNGE[Gly170Ser]RIGLRIEVYG